The following is an entry in ClinVar:

ClinVar aggregate classification (germline): Conflicting classifications of pathogenicity. Review status: criteria provided, conflicting classifications (1 of 4 stars). 2 submissions from 2 submitters: Likely pathogenic (1); Uncertain significance (1). Last evaluated 2025-07-10.

Conditions:
DDX41-related hematologic malignancy predisposition syndrome. Also called: DDX41-Associated Familial Myelodysplastic Syndrome and Acute Myeloid Leukemia; Myeloproliferative/lymphoproliferative neoplasms, familial (multiple types), susceptibility to. Identifiers: Orphanet 488647, MedGen C4225174, MONDO:0014809, OMIM 616871.
Inborn genetic diseases. Identifiers: MedGen C0950123, MeSH D030342.

Submissions (2):

Ambry Genetics
Classification: Uncertain significance for Inborn genetic diseases. Last evaluated: 2025-07-10. Review status: criteria provided, single submitter. Criteria: Ambry Variant Classification Scheme 2023. Collection method: clinical testing. Allele origin: germline.
Comment: The p.P179S variant (also known as c.535C>T), located in coding exon 6 of the DDX41 gene, results from a C to T substitution at nucleotide position 535. The proline at codon 179 is replaced by serine, an amino acid with similar properties. This amino acid position is highly conserved in available vertebrate species. In addition, this alteration is predicted to be tolerated by in silico analysis. Based on the available evidence, the clinical significance of this variant remains unclear.

Saint-Louis Hospital, Assistance Publique Hôpitaux de Paris
Classification: Likely pathogenic for DDX41-related hematologic malignancy predisposition syndrome. Last evaluated: 2025-05-13. Review status: criteria provided, single submitter. Criteria: ACMG Guidelines, 2015. Collection method: clinical testing. Allele origin: germline. Affected: yes.
Comment: The variant DDX41(NM_016222.4):c.535C>T:p.(Pro179Ser) is absent from control population database, and predicted to be deleterious according several computational algorithms (alphamissense score at 0.948, damaging according to SIFT and Polyphen). It has been described in association with a second (somatic) DDX41 hit (unpublished data), which is a common clonal evolution in bone marrow in DDX41-myeloid malignancies predispositions (Duployez et al, 2022, PMID: 35443031).

Literature cited by the submitters: PubMed 35443031 (cited by Saint-Louis Hospital, Assistance Publique Hôpitaux de Paris).

NM_016222.4(DDX41):c.535C>T (p.Pro179Ser)

Gene: DDX41 (DEAD-box helicase 41; minus strand). Cytogenetic location: 5q35.3.
Variant type: single nucleotide variant.
Coding change: c.535C>T on transcript NM_016222.4 (MANE Select); coding-DNA position 535, C replaced by T.
Protein change: p.Pro179Ser; replaces proline 179 with serine.
Molecular consequence: missense variant.
Genome position (GRCh38, 1-based): chr5:177,515,721, G>A on the plus strand (C>T on the coding strand, the complement: DDX41 is on the minus strand). VCF-style: chr5-177515721-G-A. GRCh37 (hg19) VCF-style: chr5-176942722-G-A.
Other names: c.157C>T, p.Pro53Ser (NM_001321732.2, NM_001321830.2); c.535C>T (NM_016222.2); short protein forms P179S, P53S.
Identifiers: ClinVar variation 3899314 (VCV003899314.2).